The following is an entry in ClinVar:

ClinVar aggregate classification (germline): Uncertain significance. Review status: criteria provided, multiple submitters, no conflicts (2 of 4 stars). 2 submissions from 2 submitters: Uncertain significance (2). Last evaluated 2024-04-24.

Conditions:
Neurofibromatosis, type 1 (NF1). Also called: VON RECKLINGHAUSEN DISEASE; NEUROFIBROMATOSIS, TYPE I, SOMATIC; Peripheral type neurofibromatosis; Neurofibromatosis, type I. Identifiers: Orphanet 636, MedGen C0027831, MONDO:0018975, OMIM 162200. Disease mechanism: loss of function.
Hereditary cancer-predisposing syndrome. Also called: Tumor predisposition; Neoplastic Syndromes, Hereditary; Hereditary Cancer Syndrome; Hereditary neoplastic syndrome. Identifiers: Orphanet 140162, MedGen C0027672, MeSH D009386, MONDO:0015356.
Cardiovascular phenotype. Identifiers: MedGen CN230736.

Allele frequency attached by ClinVar (database versions not stated): gnomAD exomes below 0.00001.
gnomAD v4.1: 3 of 1,614,126 alleles (0.00019%); highest among the groups gnomAD compares: Non-Finnish European, 0.00025%; no homozygotes.

Submissions (2):

Labcorp Genetics (formerly Invitae), Labcorp
Classification: Uncertain significance for Neurofibromatosis, type 1. Last evaluated: 2024-04-24. Review status: criteria provided, single submitter. Criteria: Invitae Variant Classification Sherloc (09022015). Collection method: clinical testing. Allele origin: germline.
Comment: This sequence change replaces leucine, which is neutral and non-polar, with phenylalanine, which is neutral and non-polar, at codon 345 of the NF1 protein (p.Leu345Phe). This variant is not present in population databases (gnomAD no frequency). This variant has not been reported in the literature in individuals affected with NF1-related conditions. ClinVar contains an entry for this variant (Variation ID: 1771876). Advanced modeling of protein sequence and biophysical properties (such as structural, functional, and spatial information, amino acid conservation, physicochemical variation, residue mobility, and thermodynamic stability) has been performed at Invitae for this missense variant, however the output from this modeling did not meet the statistical confidence thresholds required to predict the impact of this variant on NF1 protein function. In summary, the available evidence is currently insufficient to determine the role of this variant in disease. Therefore, it has been classified as a Variant of Uncertain Significance.

Ambry Genetics
Classification: Uncertain significance for Cardiovascular phenotype; Hereditary cancer-predisposing syndrome. Last evaluated: 2023-06-15. Review status: criteria provided, single submitter. Criteria: Ambry Variant Classification Scheme 2023. Collection method: clinical testing. Allele origin: germline.
Comment: The p.L345F variant (also known as c.1033C>T), located in coding exon 9 of the NF1 gene, results from a C to T substitution at nucleotide position 1033. The leucine at codon 345 is replaced by phenylalanine, an amino acid with highly similar properties. This amino acid position is highly conserved in available vertebrate species. In addition, this alteration is predicted to be tolerated by in silico analysis. Since supporting evidence is limited at this time, the clinical significance of this alteration remains unclear.

NM_001042492.3(NF1):c.1033C>T (p.Leu345Phe)

Gene: NF1 (neurofibromin 1; plus strand). Cytogenetic location: 17q11.2.
Variant type: single nucleotide variant.
Coding change: c.1033C>T on transcript NM_001042492.3 (MANE Select); coding-DNA position 1033, C replaced by T.
Protein change: p.Leu345Phe; replaces leucine 345 with phenylalanine.
Molecular consequence: missense variant.
Genome position (GRCh38, 1-based): chr17:31,200,566, C>T. VCF-style: chr17-31200566-C-T. GRCh37 (hg19) VCF-style: chr17-29527584-C-T.
Other names: c.1033C>T, p.Leu345Phe (NM_000267.4, NM_001128147.3); short protein forms L345F.
Identifiers: ClinVar variation 1771876 (VCV001771876.7), dbSNP rs2066509404, ClinGen allele CA398996402.
Genomic context (GRCh38, chr17:31,200,566, plus strand): 5'-GTCAAACTGTGTAAAGCAAGTACTTACATCAATTGGGAAGATAACTCTGTCATTTTCCTA[C>T]TTGTTCAGTCCATGGTGGTTGATCTTAAGGTAACATGCTTATTCTTTCTCTACTACAAAC-3'
Protein context (NP_001035957.1, residues 335-355): NWEDNSVIFL[Leu345Phe]VQSMVVDLKN